The following is an entry in ClinVar:

ClinVar aggregate classification (germline): Benign. Review status: criteria provided, multiple submitters, no conflicts (2 of 4 stars). 7 submissions from 7 submitters: Benign (7). Last evaluated 2026-02-04.

Conditions:
Autosomal recessive osteopetrosis 2. Also called: OSTEOPETROSIS, MILD AUTOSOMAL RECESSIVE FORM. Identifiers: Orphanet 667, MedGen C1850126, MONDO:0009816, OMIM 259710.

Allele frequency attached by ClinVar (database versions not stated): ESP Exome Variant Server 0.38615; gnomAD exomes 0.44154 and 0.45003; TOPMed 0.46235; 1000 Genomes Project 30x 0.46299; 1000 Genomes Project 0.46546; gnomAD 0.46914 and 0.47237; ExAC 0.52363.
gnomAD v4.1: 720,119 of 1,595,792 alleles (45%); highest among the groups gnomAD compares: African/African-American, 52%; 163,878 homozygotes.

Submissions (7):

Labcorp Genetics (formerly Invitae), Labcorp
Classification: Benign. Last evaluated: 2026-02-04. Review status: criteria provided, single submitter. Criteria: Invitae Variant Classification Sherloc (09022015). Collection method: clinical testing. Allele origin: germline.

Blueprint Genetics
Classification: Benign. Last evaluated: 2024-11-27. Review status: criteria provided, single submitter. Criteria: ACMG Guidelines, 2015. Collection method: clinical testing. Allele origin: germline.

Mayo Clinic Laboratories, Mayo Clinic
Classification: Benign. Last evaluated: 2022-09-06. Review status: criteria provided, single submitter. Criteria: ACMG Guidelines, 2015. Collection method: clinical testing. Allele origin: germline. Observed: 39 variant alleles.

GeneDx
Classification: Benign. Last evaluated: 2018-07-03. Review status: criteria provided, single submitter. Criteria: GeneDx Variant Classification Process June 2021. Collection method: clinical testing. Allele origin: germline. Affected: yes.

Illumina Laboratory Services, Illumina
Classification: Benign for Autosomal recessive osteopetrosis 2. Last evaluated: 2018-01-13. Review status: criteria provided, single submitter. Criteria: ICSL Variant Classification Criteria 13 December 2019. Collection method: clinical testing. Allele origin: germline.
Comment: This variant was observed in the ICSL laboratory as part of a predisposition screen in an ostensibly healthy population. It had not been previously curated by ICSL or reported in the Human Gene Mutation Database (HGMD: prior to June 1st, 2018), and was therefore a candidate for classification through an automated scoring system. Utilizing variant allele frequency, disease prevalence and penetrance estimates, and inheritance mode, an automated score was calculated to assess if this variant is too frequent to cause the disease. Based on the score and internal cut-off values, a variant classified as benign is not then subjected to further curation. The score for this variant resulted in a classification of benign for this disease.

Eurofins Ntd Llc (ga)
Classification: Benign. Last evaluated: 2016-09-06. Review status: criteria provided, single submitter. Criteria: EGL Classification Definitions 2015. Collection method: clinical testing. Allele origin: germline. Observed: 16 variant alleles, 14 heterozygotes, 2 homozygotes.

Breakthrough Genomics
Classification: Benign. Review status: criteria provided, single submitter. Criteria: ACMG Guidelines, 2015. Collection method: not provided. Allele origin: germline. Inheritance: Autosomal recessive inheritance. Affected: yes.

NM_003701.4(TNFSF11):c.126T>C (p.Pro42=)

Genes: TNFSF11 (TNF superfamily member 11; plus strand), LOC130009662 (ATAC-STARR-seq lymphoblastoid silent region 5301; plus strand). Cytogenetic location: 13q14.11.
Variant type: single nucleotide variant.
Coding change: c.126T>C on transcript NM_003701.4 (MANE Select); coding-DNA position 126, T replaced by C.
Protein change: p.Pro42=; no amino-acid change (proline 42 retained).
Molecular consequence: synonymous variant. On other transcripts: intron variant (1).
Genome position (GRCh38, 1-based): chr13:42,574,429, T>C. VCF-style: chr13-42574429-T-C. GRCh37 (hg19) VCF-style: chr13-43148565-T-C.
Other names: p.Pro42=; c.-1+2691T>C (NM_033012.4).
Identifiers: ClinVar variation 193257 (VCV000193257.23), dbSNP rs2296533, ClinGen allele CA200446.